The following is an entry in ClinVar:

NM_017780.4(CHD7):c.7652C>A (p.Thr2551Asn)

Gene: CHD7 (chromodomain helicase DNA binding protein 7; plus strand). Cytogenetic location: 8q12.2.
Variant type: single nucleotide variant.
Coding change: c.7652C>A on transcript NM_017780.4 (MANE Select); coding-DNA position 7652, C replaced by A.
Protein change: p.Thr2551Asn; replaces threonine 2551 with asparagine.
Molecular consequence: missense variant. On other transcripts: intron variant (1).
Genome position (GRCh38, 1-based): chr8:60,860,947, C>A. VCF-style: chr8-60860947-C-A. GRCh37 (hg19) VCF-style: chr8-61773506-C-A.
Other names: c.1717-1282C>A (NM_001316690.1); short protein forms T2551N.
Identifiers: ClinVar variation 1698007 (VCV001698007.2), dbSNP rs942070972, ClinGen allele CA177325495.
Genomic context (GRCh38, chr8:60,860,947, plus strand): 5'-TTGTGAACTTTCTGCAGGAGGATGCTGAGGTGACCAAAGCTTTTGAAGAAGATATAGAGA[C>A]CCCACCAACAAGAAACATTCCTTCTCCCGGACAGCTGGACCCAGACACACGGATCCCTGT-3'
Protein context (NP_060250.2, residues 2541-2561): VTKAFEEDIE[Thr2551Asn]PPTRNIPSPG

ClinVar aggregate classification (germline): Uncertain significance (1 of 4 stars; one submission).

Allele frequency attached by ClinVar (database versions not stated): TOPMed below 0.00001.
gnomAD v4.1: 1 of 1,613,934 alleles (0.000062%); highest among the groups gnomAD compares: Non-Finnish European, 0.000085%; no homozygotes.

Submission:

GeneDx
Classification: Uncertain significance. Last evaluated: 2022-01-20. Review status: criteria provided, single submitter. Criteria: GeneDx Variant Classification Process June 2021. Collection method: clinical testing. Allele origin: germline. Affected: yes.
Comment: Not observed at significant frequency in large population cohorts (gnomAD); In silico analysis supports that this missense variant does not alter protein structure/function; Reported in an individual with autism spectrum disorder (Koshimizu et al., 2013).; This variant is associated with the following publications: (PMID: 24066114)